The following is an entry in ClinVar:

ClinVar aggregate classification (germline): Uncertain significance (1 of 4 stars; one submission).

Allele frequency attached by ClinVar (database versions not stated): gnomAD 0.00003; gnomAD exomes 0.00003; TOPMed 0.00009; ExAC 0.00014.
gnomAD v4.1: 50 of 1,613,810 alleles (0.0031%); highest among the groups gnomAD compares: Admixed American, 0.077%; no homozygotes.

Submission:

Labcorp Genetics (formerly Invitae), Labcorp
Classification: Uncertain significance. Last evaluated: 2025-11-18. Review status: criteria provided, single submitter. Criteria: Invitae Variant Classification Sherloc (09022015). Collection method: clinical testing. Allele origin: germline.
Comment: This sequence change replaces proline, which is neutral and non-polar, with alanine, which is neutral and non-polar, at codon 224 of the POLD2 protein (p.Pro224Ala). This variant is present in population databases (rs771520076, gnomAD 0.1%), and has an allele count higher than expected for a pathogenic variant. This variant has not been reported in the literature in individuals affected with POLD2-related conditions. ClinVar contains an entry for this variant (Variation ID: 2067806). Experimental studies and prediction algorithms are not available or were not evaluated, and the functional significance of this variant is currently unknown. In summary, the available evidence is currently insufficient to determine the role of this variant in disease. Therefore, it has been classified as a Variant of Uncertain Significance.

NM_006230.4(POLD2):c.565C>G (p.Pro189Ala)

Gene: POLD2 (DNA polymerase delta 2, accessory subunit; minus strand). Cytogenetic location: 7p13.
Variant type: single nucleotide variant.
Coding change: c.565C>G on transcript NM_006230.4 (MANE Select); coding-DNA position 565, C replaced by G.
Protein change: p.Pro189Ala; replaces proline 189 with alanine.
Molecular consequence: missense variant.
Genome position (GRCh38, 1-based): chr7:44,117,149, G>C on the plus strand (C>G on the coding strand, the complement: POLD2 is on the minus strand). VCF-style: chr7-44117149-G-C. GRCh37 (hg19) VCF-style: chr7-44156748-G-C.
Other names: c.565C>G, p.Pro189Ala (NM_001127218.3, NM_001256879.2); short protein forms P189A.
Identifiers: ClinVar variation 2067806 (VCV002067806.4), dbSNP rs771520076, ClinGen allele CA4238809.
Genomic context (GRCh38, chr7:44,117,149, plus strand): 5'-CACTGACCATGAGCTGGTTCCAGCTCCCGAGAACTGCTGCTCACCTATCTGTGTCAAGTG[G>C]GGGTGCGGGCTTCTGGGGAGCAAGGTCAGCAAAGCAATAGTCCTCCACCAGAAACTTCCC-3'
Protein context (NP_006221.3, residues 179-199): ADLAPQKPAP[Pro189Ala]LDTDRFVLLV